The following is an entry in ClinVar:

ClinVar aggregate classification (germline): Pathogenic (1 of 4 stars; one submission).

Conditions:
Hereditary spastic paraplegia 4. Also called: Spastic paraplegia 4, autosomal dominant; Spastic Paraplegia 4; Familial spastic paraplegia autosomal dominant 2. Identifiers: Orphanet 100985, MedGen C1866855, MONDO:0008438, OMIM 182601.

Submission:

Labcorp Genetics (formerly Invitae), Labcorp
Classification: Pathogenic for Hereditary spastic paraplegia 4. Last evaluated: 2020-02-28. Review status: criteria provided, single submitter. Criteria: Invitae Variant Classification Sherloc (09022015). Collection method: clinical testing. Allele origin: germline.
Comment: This variant has been observed in individual(s) with hereditary spastic paraplegia (PMID: 16788734). This sequence change creates a premature translational stop signal (p.Glu452Argfs*6) in the SPAST gene. It is expected to result in an absent or disrupted protein product. This variant is not present in population databases (ExAC no frequency). Algorithms developed to predict the effect of sequence changes on RNA splicing suggest that this variant may create or strengthen a splice site, but this prediction has not been confirmed by published transcriptional studies. Loss-of-function variants in SPAST are known to be pathogenic (PMID: 20932283). For these reasons, this variant has been classified as Pathogenic.

Literature cited by the submitters: PubMed 16788734; PubMed 20932283.

NM_014946.4(SPAST):c.1350_1351del (p.Glu452fs)

Gene: SPAST (spastin; plus strand). Cytogenetic location: 2p22.3.
Variant type: Deletion.
Coding change: c.1350_1351del on transcript NM_014946.4 (MANE Select); coding-DNA positions 1350 to 1351, 2 bases deleted (AA; older notation c.1350_1351delAA).
Protein change: p.Glu452fs; shifts the reading frame from glutamic acid 452.
Molecular consequence: frameshift variant.
Genome position (GRCh38, 1-based): chr2:32,136,905-32,136,906, AA deleted. VCF-style (leftmost placement, unchanged base first): chr2-32136904-GAA-G. GRCh37 (hg19) VCF-style: chr2-32361973-GAA-G.
Other names: c.1347_1348del, p.Glu451fs (NM_001363823.2); c.1251_1252del, p.Glu419fs (NM_001363875.2); c.1254_1255del, p.Glu420fs (NM_001377959.1, NM_199436.2); short protein forms E419fs, E420fs, E451fs, E452fs.
Identifiers: ClinVar variation 1068473 (VCV001068473.9), dbSNP rs2148753972, ClinGen allele CA2499215907.
Genomic context (GRCh38, chr2:32,136,904, plus strand): 5'-TTAATTAAAGTCTTATACTTGTATTTCCTCTAGATGAAGTTGATAGCCTTTTGTGTGAAA[GAA>G]GAGAAGGGGAGCACGATGCTAGTAGACGCCTAAAAACTGAATTTCTAATAGAATTTGATG-3'